The following is an entry in ClinVar:

NM_004204.5(PIGQ):c.556G>A (p.Val186Met)

Gene: PIGQ (phosphatidylinositol glycan anchor biosynthesis class Q; plus strand). Cytogenetic location: 16p13.3.
Variant type: single nucleotide variant.
Coding change: c.556G>A on transcript NM_004204.5 (MANE Select); coding-DNA position 556, G replaced by A.
Protein change: p.Val186Met; replaces valine 186 with methionine.
Molecular consequence: missense variant.
Genome position (GRCh38, 1-based): chr16:574,630, G>A. VCF-style: chr16-574630-G-A. GRCh37 (hg19) VCF-style: chr16-624630-G-A.
Other names: c.556G>A, p.Val186Met (NM_148920.4); short protein forms V186M.
Identifiers: ClinVar variation 456049 (VCV000456049.9), dbSNP rs369384971, ClinGen allele CA7779906.

ClinVar aggregate classification (germline): Uncertain significance. Review status: criteria provided, multiple submitters, no conflicts (2 of 4 stars). 2 submissions from 2 submitters: Uncertain significance (2). Last evaluated 2022-09-01.

Conditions:
Epilepsy. Also called: Seizure disorder. Identifiers: MedGen C0014544, MeSH D004827, MONDO:0005027.

Allele frequency attached by ClinVar (database versions not stated): TOPMed 0.00002.
gnomAD v4.1: 18 of 1,606,990 alleles (0.0011%); highest among the groups gnomAD compares: South Asian, 0.0022%; no homozygotes.

Submissions (2):

Labcorp Genetics (formerly Invitae), Labcorp
Classification: Uncertain significance for Epilepsy. Last evaluated: 2022-09-01. Review status: criteria provided, single submitter. Criteria: Invitae Variant Classification Sherloc (09022015). Collection method: clinical testing. Allele origin: germline.
Comment: This sequence change replaces valine, which is neutral and non-polar, with methionine, which is neutral and non-polar, at codon 186 of the PIGQ protein (p.Val186Met). The frequency data for this variant in the population databases is considered unreliable, as metrics indicate poor data quality at this position in the gnomAD database. This variant has not been reported in the literature in individuals affected with PIGQ-related conditions. ClinVar contains an entry for this variant (Variation ID: 456049). Algorithms developed to predict the effect of missense changes on protein structure and function are either unavailable or do not agree on the potential impact of this missense change (SIFT: "Deleterious"; PolyPhen-2: "Possibly Damaging"; Align-GVGD: "Class C0"). In summary, the available evidence is currently insufficient to determine the role of this variant in disease. Therefore, it has been classified as a Variant of Uncertain Significance.

Blueprint Genetics
Classification: Uncertain significance. Last evaluated: 2018-11-16. Review status: criteria provided, single submitter. Criteria: ACMG Guidelines, 2015. Collection method: clinical testing. Allele origin: germline.